The following is an entry in ClinVar:

ClinVar aggregate classification (germline): Uncertain significance (1 of 4 stars; one submission).

Conditions:
Familial cold autoinflammatory syndrome 3 (FCAS3). Also called: FAMILIAL ATYPICAL COLD URTICARIA; ANTIBODY DEFICIENCY AND IMMUNE DYSREGULATION, PLCG2-ASSOCIATED. Identifiers: Orphanet 300359, MedGen C3280914, MONDO:0013766, OMIM 614468.

Submission:

Labcorp Genetics (formerly Invitae), Labcorp
Classification: Uncertain significance for Familial cold autoinflammatory syndrome 3. Last evaluated: 2020-07-07. Review status: criteria provided, single submitter. Criteria: Invitae Variant Classification Sherloc (09022015). Collection method: clinical testing. Allele origin: germline.
Comment: In summary, the available evidence is currently insufficient to determine the role of this variant in disease. Therefore, it has been classified as a Variant of Uncertain Significance. Algorithms developed to predict the effect of missense changes on protein structure and function (SIFT, PolyPhen-2, Align-GVGD) all suggest that this variant is likely to be tolerated, but these predictions have not been confirmed by published functional studies and their clinical significance is uncertain. This variant has not been reported in the literature in individuals with PLCG2-related conditions. This variant is not present in population databases (ExAC no frequency). This sequence change replaces asparagine with threonine at codon 744 of the PLCG2 protein (p.Asn744Thr). The asparagine residue is moderately conserved and there is a small physicochemical difference between asparagine and threonine.

NM_002661.5(PLCG2):c.2231A>C (p.Asn744Thr)

Gene: PLCG2 (phospholipase C gamma 2; plus strand). Cytogenetic location: 16q23.3.
Variant type: single nucleotide variant.
Coding change: c.2231A>C on transcript NM_002661.5 (MANE Select); coding-DNA position 2231, A replaced by C.
Protein change: p.Asn744Thr; replaces asparagine 744 with threonine.
Molecular consequence: missense variant.
Genome position (GRCh38, 1-based): chr16:81,919,660, A>C. VCF-style: chr16-81919660-A-C. GRCh37 (hg19) VCF-style: chr16-81953265-A-C.
Other names: short protein forms N744T.
Identifiers: ClinVar variation 1051183 (VCV001051183.9), dbSNP rs762848692, ClinGen allele CA396902172.